The following is an entry in ClinVar:

NM_000168.6(GLI3):c.1992G>A (p.Ser664=)

Gene: GLI3 (GLI family zinc finger 3; minus strand). Cytogenetic location: 7p14.1.
Variant type: single nucleotide variant.
Coding change: c.1992G>A on transcript NM_000168.6 (MANE Select); coding-DNA position 1992, G replaced by A.
Protein change: p.Ser664=; no amino-acid change (serine 664 retained).
Molecular consequence: synonymous variant.
Genome position (GRCh38, 1-based): chr7:41,972,448, C>T on the plus strand (G>A on the coding strand, the complement: GLI3 is on the minus strand). VCF-style: chr7-41972448-C-T. GRCh37 (hg19) VCF-style: chr7-42012047-C-T.
Identifiers: ClinVar variation 659650 (VCV000659650.12), dbSNP rs770030848, ClinGen allele CA4230714.

ClinVar aggregate classification (germline): Benign. Review status: criteria provided, single submitter (1 of 4 stars). 2 submissions from 2 submitters: Benign (1). 1 of the submissions does not count toward it. Last evaluated 2025-12-22.

Conditions:
GLI3-related disorder. Also called: GLI3-related condition; GLI3-related disorders. Identifiers: MedGen CN239292.
Greig cephalopolysyndactyly syndrome (GCPS). Also called: POLYSYNDACTYLY WITH PECULIAR SKULL SHAPE; GLI3-Related Greig Cephalopolysyndactyly Syndrome; Greig syndrome. Identifiers: Orphanet 380, MedGen C0265306, MONDO:0008287, OMIM 175700.
Pallister-Hall syndrome (PHS). Also called: HYPOTHALAMIC HAMARTOBLASTOMA, HYPOPITUITARISM, IMPERFORATE ANUS, AND POSTAXIAL POLYDACTYLY; GLI3-Related Pallister-Hall Syndrome. Identifiers: Orphanet 672, MedGen C0265220, MONDO:0007804, OMIM 146510.

Allele frequency attached by ClinVar (database versions not stated): ExAC 0.00001; gnomAD exomes 0.00003; gnomAD 0.00005 and 0.00006; TOPMed 0.00007; 1000 Genomes Project 30x 0.00031.
gnomAD v4.1: 36 of 1,613,656 alleles (0.0022%); highest among the groups gnomAD compares: African/African-American, 0.016%; no homozygotes.

Submissions (2):

Labcorp Genetics (formerly Invitae), Labcorp
Classification: Benign for Pallister-Hall syndrome; Greig cephalopolysyndactyly syndrome. Last evaluated: 2025-12-22. Review status: criteria provided, single submitter. Criteria: Invitae Variant Classification Sherloc (09022015). Collection method: clinical testing. Allele origin: germline.

PreventionGenetics, part of Exact Sciences
Classification: Likely benign for GLI3-related condition. Last evaluated: 2024-09-16. Review status: no assertion criteria provided. Collection method: clinical testing. Allele origin: germline. Not counted in ClinVar's aggregate classification.
Comment: This variant is classified as likely benign based on ACMG/AMP sequence variant interpretation guidelines (Richards et al. 2015 PMID: 25741868, with internal and published modifications).